The following is an entry in ClinVar:

NM_145166.4(ZBTB47):c.1493C>T (p.Ala498Val)

Gene: ZBTB47 (zinc finger and BTB domain containing 47; plus strand). Cytogenetic location: 3p22.1.
Variant type: single nucleotide variant.
Coding change: c.1493C>T on transcript NM_145166.4 (MANE Select); coding-DNA position 1493, C replaced by T.
Protein change: p.Ala498Val; replaces alanine 498 with valine.
Molecular consequence: missense variant.
Genome position (GRCh38, 1-based): chr3:42,661,504, C>T. VCF-style: chr3-42661504-C-T. GRCh37 (hg19) VCF-style: chr3-42702996-C-T.
Other names: c.1577C>T, p.Ala526Val (NM_001410746.1); short protein forms A498V, A526V.
Identifiers: ClinVar variation 2581776 (VCV002581776.2), dbSNP rs2471280747, ClinGen allele CA352281356.

ClinVar aggregate classification (germline): Uncertain significance (1 of 4 stars; one submission).

Submission:

GeneDx
Classification: Uncertain significance. Last evaluated: 2024-06-10. Review status: criteria provided, single submitter. Criteria: GeneDx Variant Classification Process June 2021. Collection method: clinical testing. Allele origin: germline. Affected: yes.
Comment: Not observed at significant frequency in large population cohorts (gnomAD); In silico analysis supports that this missense variant has a deleterious effect on protein structure/function; Has not been previously published as pathogenic or benign to our knowledge